The following is an entry in ClinVar:

ClinVar aggregate classification (germline): Uncertain significance. Review status: criteria provided, multiple submitters, no conflicts (2 of 4 stars). 4 submissions from 4 submitters: Uncertain significance (4). Last evaluated 2025-12-21.

Conditions:
Hereditary cancer-predisposing syndrome. Also called: Tumor predisposition; Hereditary Cancer Syndrome; Hereditary neoplastic syndrome; Neoplastic Syndromes, Hereditary. Identifiers: Orphanet 140162, MedGen C0027672, MeSH D009386, MONDO:0015356.
Breast-ovarian cancer, familial, susceptibility to, 3. Also called: RAD51C-Related Breast/Ovarian Cancer. Identifiers: Orphanet 145, MedGen C3150659, MONDO:0013253, OMIM 613399.
Fanconi anemia complementation group O. Also called: RAD51C-Related Fanconi Anemia. Identifiers: Orphanet 84, MedGen C3150653, MONDO:0013248, OMIM 613390.

Allele frequency attached by ClinVar (database versions not stated): gnomAD exomes below 0.00001.
gnomAD v4.1: 3 of 1,610,008 alleles (0.00019%); highest among the groups gnomAD compares: Non-Finnish European, 0.00017%; no homozygotes.

Submissions (4):

Labcorp Genetics (formerly Invitae), Labcorp
Classification: Uncertain significance for Fanconi anemia complementation group O. Last evaluated: 2025-12-21. Review status: criteria provided, single submitter. Criteria: Invitae Variant Classification Sherloc (09022015). Collection method: clinical testing. Allele origin: germline.
Comment: This sequence change replaces valine, which is neutral and non-polar, with isoleucine, which is neutral and non-polar, at codon 280 of the RAD51C protein (p.Val280Ile). This variant is not present in population databases (gnomAD no frequency). This variant has not been reported in the literature in individuals affected with RAD51C-related conditions. ClinVar contains an entry for this variant (Variation ID: 233898). An algorithm developed to predict the effect of missense changes on protein structure and function (PolyPhen-2) suggests that this variant is likely to be disruptive. In summary, the available evidence is currently insufficient to determine the role of this variant in disease. Therefore, it has been classified as a Variant of Uncertain Significance.

Ambry Genetics
Classification: Uncertain significance for Hereditary cancer-predisposing syndrome. Last evaluated: 2025-03-10. Review status: criteria provided, single submitter. Criteria: Ambry Variant Classification Scheme 2023. Collection method: clinical testing. Allele origin: germline.
Comment: The p.V280I variant (also known as c.838G>A), located in coding exon 6 of the RAD51C gene, results from a G to A substitution at nucleotide position 838. This variant impacts the first base pair of coding exon 6. The valine at codon 280 is replaced by isoleucine, an amino acid with highly similar properties. This amino acid position is highly conserved in available vertebrate species. In addition, this alteration is predicted to be tolerated by in silico analysis. Since supporting evidence is limited at this time, the clinical significance of this alteration remains unclear.

Baylor Genetics
Classification: Uncertain significance for Breast-ovarian cancer, familial, susceptibility to, 3. Last evaluated: 2023-12-14. Review status: criteria provided, single submitter. Criteria: ACMG Guidelines, 2015. Collection method: clinical testing. Allele origin: unknown.

Color Diagnostics, LLC DBA Color Health
Classification: Uncertain significance for Hereditary cancer-predisposing syndrome. Last evaluated: 2021-03-23. Review status: criteria provided, single submitter. Criteria: ACMG Guidelines, 2015. Collection method: clinical testing. Allele origin: germline.
Comment: This missense variant replaces valine with isoleucine at codon 280 of the RAD51C protein. Computational prediction suggests that this variant may not impact protein structure and function (internally defined REVEL score threshold <= 0.5, PMID: 27666373). To our knowledge, functional studies have not been reported for this variant. This variant has not been reported in individuals affected with hereditary cancer in the literature. This variant has not been identified in the general population by the Genome Aggregation Database (gnomAD). The available evidence is insufficient to determine the role of this variant in disease conclusively. Therefore, this variant is classified as a Variant of Uncertain Significance.

NM_058216.3(RAD51C):c.838G>A (p.Val280Ile)

Gene: RAD51C (RAD51 paralog C; plus strand). Cytogenetic location: 17q22.
Variant type: single nucleotide variant.
Coding change: c.838G>A on transcript NM_058216.3 (MANE Select); coding-DNA position 838, G replaced by A.
Protein change: p.Val280Ile; replaces valine 280 with isoleucine.
Molecular consequence: missense variant. On other transcripts: non-coding transcript variant (1).
Genome position (GRCh38, 1-based): chr17:58,720,746, G>A. VCF-style: chr17-58720746-G-A. GRCh37 (hg19) VCF-style: chr17-56798107-G-A.
Other names: short protein forms V280I.
Identifiers: ClinVar variation 233898 (VCV000233898.18), dbSNP rs876660718, ClinGen allele CA10580752.